The following is an entry in ClinVar:

ClinVar aggregate classification (germline): Pathogenic (1 of 4 stars; one submission).

Conditions:
Oculodentodigital dysplasia, autosomal recessive. Also called: OCULODENTOOSSEOUS DYSPLASIA, AUTOSOMAL RECESSIVE; ODDD, AUTOSOMAL RECESSIVE; ODOD, AUTOSOMAL RECESSIVE. Identifiers: Orphanet 2710, MedGen C2749477, MONDO:0009768, OMIM 257850.

Submission:

Labcorp Genetics (formerly Invitae), Labcorp
Classification: Pathogenic for Oculodentodigital dysplasia, autosomal recessive. Last evaluated: 2019-04-26. Review status: criteria provided, single submitter. Criteria: Invitae Variant Classification Sherloc (09022015). Collection method: clinical testing. Allele origin: germline.
Comment: For these reasons, this variant has been classified as Pathogenic. This variant disrupts the p.Gly22 amino acid residue in GJA1. Other variant(s) that disrupt this residue have been observed in individuals with GJA1-related conditions (PMID: 12457340), which suggests that this may be a clinically significant amino acid residue. Algorithms developed to predict the effect of missense changes on protein structure and function (SIFT, PolyPhen-2, Align-GVGD) all suggest that this variant is likely to be disruptive, but these predictions have not been confirmed by published functional studies and their clinical significance is uncertain. This sequence change replaces glycine with arginine at codon 22 of the GJA1 protein (p.Gly22Arg). The glycine residue is highly conserved and there is a moderate physicochemical difference between glycine and arginine. This variant is not present in population databases (ExAC no frequency).

Literature cited by the submitters: PubMed 12457340; PubMed 19338053.

NM_000165.5(GJA1):c.64G>A (p.Gly22Arg)

Gene: GJA1 (gap junction protein alpha 1; plus strand). Cytogenetic location: 6q22.31.
Variant type: single nucleotide variant.
Coding change: c.64G>A on transcript NM_000165.5 (MANE Select); coding-DNA position 64, G replaced by A.
Protein change: p.Gly22Arg; replaces glycine 22 with arginine.
Molecular consequence: missense variant.
Genome position (GRCh38, 1-based): chr6:121,446,911, G>A. VCF-style: chr6-121446911-G-A. GRCh37 (hg19) VCF-style: chr6-121768057-G-A.
Other names: short protein forms G22R.
Identifiers: ClinVar variation 844190 (VCV000844190.9), dbSNP rs1773898234, ClinGen allele CA365557837.